The following is an entry in ClinVar:

ClinVar aggregate classification (germline): Uncertain significance. Review status: criteria provided, single submitter (1 of 4 stars). 2 submissions from 2 submitters: Uncertain significance (1). 1 of the submissions does not count toward it. Last evaluated 2021-09-16.

Conditions:
CHD1-related disorder. Also called: CHD1-related condition.

Allele frequency attached by ClinVar (database versions not stated): gnomAD 0.00007; 1000 Genomes Project 30x 0.00016; 1000 Genomes Project 0.00020.
gnomAD v4.1: 90 of 1,609,896 alleles (0.0056%); highest among the groups gnomAD compares: East Asian, 0.19%; no homozygotes.

Submissions (2):

Ambry Genetics
Classification: Uncertain significance. Last evaluated: 2021-09-16. Review status: criteria provided, single submitter. Criteria: Ambry Variant Classification Scheme 2023. Collection method: clinical testing. Allele origin: germline.

PreventionGenetics, part of Exact Sciences
Classification: Likely benign for CHD1-related condition. Last evaluated: 2022-03-01. Review status: no assertion criteria provided. Collection method: clinical testing. Allele origin: germline. Not counted in ClinVar's aggregate classification.
Comment: This variant is classified as likely benign based on ACMG/AMP sequence variant interpretation guidelines (Richards et al. 2015 PMID: 25741868, with internal and published modifications).

NM_001270.4(CHD1):c.4579G>A (p.Val1527Met)

Gene: CHD1 (chromodomain helicase DNA binding protein 1; minus strand). Cytogenetic location: 5q15.
Variant type: single nucleotide variant.
Coding change: c.4579G>A on transcript NM_001270.4 (MANE Select); coding-DNA position 4579, G replaced by A.
Protein change: p.Val1527Met; replaces valine 1527 with methionine.
Molecular consequence: missense variant. On other transcripts: non-coding transcript variant (2).
Genome position (GRCh38, 1-based): chr5:98,858,388, C>T on the plus strand (G>A on the coding strand, the complement: CHD1 is on the minus strand). VCF-style: chr5-98858388-C-T. GRCh37 (hg19) VCF-style: chr5-98194092-C-T.
Other names: c.4843G>A, p.Val1615Met (NM_001364113.3); c.4579G>A, p.Val1527Met (NM_001376194.2); short protein forms V1527M, V1615M.
Identifiers: ClinVar variation 2394573 (VCV002394573.4), dbSNP rs573978009, ClinGen allele CA3355612.